The following is an entry in ClinVar:

NM_000628.5(IL10RB):c.913G>A (p.Gly305Ser)

Genes: IFNAR2-IL10RB (IFNAR2-IL10RB readthrough; plus strand), IL10RB (interleukin 10 receptor subunit beta; plus strand). Cytogenetic location: 21q22.11.
Variant type: single nucleotide variant.
Coding change: c.913G>A on transcript NM_000628.5 (MANE Select); coding-DNA position 913, G replaced by A.
Protein change: p.Gly305Ser; replaces glycine 305 with serine.
Molecular consequence: missense variant.
Genome position (GRCh38, 1-based): chr21:33,296,292, G>A. VCF-style: chr21-33296292-G-A. GRCh37 (hg19) VCF-style: chr21-34668597-G-A.
Other names: c.913G>A (NM_000628.3); short protein forms G305S.
Identifiers: ClinVar variation 537182 (VCV000537182.7), dbSNP rs376143910, ClinGen allele CA10006285.

ClinVar aggregate classification (germline): Conflicting classifications of pathogenicity. Review status: criteria provided, conflicting classifications (1 of 4 stars). 2 submissions from 2 submitters: Uncertain significance (1); Likely benign (1). Last evaluated 2025-11-03.

Conditions:
Inborn genetic diseases. Identifiers: MedGen C0950123, MeSH D030342.
Inflammatory bowel disease 25. Also called: Inflammatory bowel disease 25, early onset, autosomal recessive. Identifiers: Orphanet 238569, MedGen C2675508, MONDO:0012941, OMIM 612567.

Allele frequency attached by ClinVar (database versions not stated): gnomAD 0.00001; gnomAD exomes 0.00001 and 0.00002; ExAC 0.00002; TOPMed 0.00003; ESP Exome Variant Server 0.00008.
gnomAD v4.1: 12 of 1,614,032 alleles (0.00074%); highest among the groups gnomAD compares: Middle Eastern, 0.016%; no homozygotes.

Submissions (2):

Labcorp Genetics (formerly Invitae), Labcorp
Classification: Uncertain significance for Inflammatory bowel disease 25. Last evaluated: 2025-11-03. Review status: criteria provided, single submitter. Criteria: Invitae Variant Classification Sherloc (09022015). Collection method: clinical testing. Allele origin: germline.
Comment: This sequence change replaces glycine, which is neutral and non-polar, with serine, which is neutral and polar, at codon 305 of the IL10RB protein (p.Gly305Ser). This variant is present in population databases (rs376143910, gnomAD 0.01%). This variant has not been reported in the literature in individuals affected with IL10RB-related conditions. ClinVar contains an entry for this variant (Variation ID: 537182). An algorithm developed to predict the effect of missense changes on protein structure and function outputs the following: PolyPhen-2: "Benign". The serine amino acid residue is found in multiple mammalian species, which suggests that this missense change does not adversely affect protein function. In summary, the available evidence is currently insufficient to determine the role of this variant in disease. Therefore, it has been classified as a Variant of Uncertain Significance.

Ambry Genetics
Classification: Likely benign for Inborn genetic diseases. Last evaluated: 2024-02-12. Review status: criteria provided, single submitter. Criteria: Ambry Variant Classification Scheme 2023. Collection method: clinical testing. Allele origin: germline.